The following is an entry in ClinVar:

ClinVar aggregate classification (germline): Conflicting classifications of pathogenicity. Review status: criteria provided, conflicting classifications (1 of 4 stars). 14 submissions from 14 submitters: Uncertain significance (11); Likely benign (1). 2 of the submissions do not count toward it. Last evaluated 2026-09-08.

Conditions:
Cone-rod dystrophy 3 (CORD3). Identifiers: Orphanet 1872, MedGen C1858806, MONDO:0011395, OMIM 604116.
Retinitis pigmentosa 19 (RP19). Also called: ABCA4-Related Retinitis Pigmentosa. Identifiers: Orphanet 791, MedGen C1866422, MONDO:0011137, OMIM 601718.
ABCA4-related disorder. Also called: ABCA4-related condition; ABCA4-related disorders. Identifiers: MedGen CN239167.
Severe early-childhood-onset retinal dystrophy (STGD1). Also called: MACULAR DYSTROPHY WITH FLECKS, TYPE 1; STGD; Stargardt macular dystrophy; Juvenile onset macular degeneration; Stargardt disease 1. Identifiers: Orphanet 364055, Orphanet 827, MedGen C1855465, MeSH D000080362, MONDO:0009549, OMIM 248200.
Age related macular degeneration 2. Also called: MACULAR DEGENERATION, SENILE; MACULOPATHY, AGE-RELATED, 2; MACULOPATHY, AGE-RELATED. Identifiers: MedGen C3495438, MONDO:0007932, OMIM 153800.
Retinal dystrophy. Also called: Inherited retinal dystrophy. Identifiers: Orphanet 71862, MedGen C0854723, MeSH D058499, MONDO:0019118, HP:0000556.
Autosomal recessive retinitis pigmentosa. Identifiers: MedGen C0339526.

Allele frequency attached by ClinVar (database versions not stated): ExAC 0.00049; gnomAD exomes 0.00055 and 0.00069; gnomAD 0.00057 and 0.00066; ESP Exome Variant Server 0.00069; TOPMed 0.00079.
gnomAD v4.1: 1,111 of 1,614,226 alleles (0.069%); highest among the groups gnomAD compares: Non-Finnish European, 0.082%; 2 homozygotes.

Submissions (14):

PreventionGenetics, part of Exact Sciences
Classification: Uncertain significance for ABCA4-related condition. Last evaluated: 2026-09-08. Review status: criteria provided, single submitter. Criteria: ACMG Guidelines, 2015. Collection method: clinical testing. Allele origin: germline.
Comment: The ABCA4 c.1140T>A variant is predicted to result in the amino acid substitution p.Asn380Lys. This variant has been reported in multiple individuals with autosomal recessive retinal dystrophies; in some instances, a second causative variant was not described, or this variant was identified along with two other variants in the ABCA4 gene (see for example, Table S1, Patel et al. 2015. PubMed ID: 26355662; Table 1, Riveiro-Alvarez et al 2013. PubMed ID: 23755871; Table S4, Maltese et al. 2022. PubMed ID: 35836572; Webster et al. 2001. Pubmed ID: 11328725; Cho et al. 2020. PubMed ID: 32000842; Eisenberger et al. 2013. PubMed ID: 24265693). In Riveiro-Alvarez et al. this variant was reported in cis with another variant as c.[1140T>A; 5395A>G] (p.[Asn380Lys; Asn1799Asp]). Additionally, one large cohort study analyzing pathogenicity in ABCA4 variants has classified this variant as benign (supplementary data, Cornelis et al. 2022. PubMed ID: 35120629). This variant is reported in 0.091% of alleles in individuals of European (non-Finnish) descent in gnomAD, indicating it is relatively common. At this time, the clinical significance of this variant is uncertain due to the absence of conclusive functional and genetic evidence.

Labcorp Genetics (formerly Invitae), Labcorp
Classification: Likely benign. Last evaluated: 2026-02-01. Review status: criteria provided, single submitter. Criteria: Invitae Variant Classification Sherloc (09022015). Collection method: clinical testing. Allele origin: germline.

3billion
Classification: Uncertain significance for Severe early-childhood-onset retinal dystrophy. Last evaluated: 2025-12-17. Review status: criteria provided, single submitter. Criteria: ACMG Guidelines, 2015. Collection method: clinical testing. Allele origin: germline. Affected: yes.
Comment: The variant is observed at an extremely low frequency in the gnomAD v4.1.0 dataset (total allele frequency: 0.069%). Predicted Consequence/Location: Missense variant The same nucleotide change resulting in the same amino acid change has been previously reported to be associated with ABCA4-related disorder (ClinVar ID: VCV000099033 /PMID: 11328725). However, the evidence of pathogenicity is insufficient at this time. Therefore, this variant is classified as VUS according to the recommendation of ACMG/AMP guideline.

Blueprint Genetics
Classification: Uncertain significance. Last evaluated: 2024-11-06. Review status: criteria provided, single submitter. Criteria: ACMG Guidelines, 2015. Collection method: clinical testing. Allele origin: germline.

GeneDx
Classification: Uncertain significance. Last evaluated: 2023-04-04. Review status: criteria provided, single submitter. Criteria: GeneDx Variant Classification Process June 2021. Collection method: clinical testing. Allele origin: germline. Affected: yes.
Comment: Identified in patients with Stargardt disease and retinitis pigmentosa in published literature, however a second ABCA4 variant was not identified in these cases (Webster et al., 2001; Valverde et al., 2006; Valverde et al., 2007; Smaragda et al., 2018); Identified in a patient with retinitis pigmentosa in published literature who also had two loss-of-function variants in the CEP290 gene (Eisenberger et al., 2013); In silico analysis supports that this missense variant has a deleterious effect on protein structure/function; This variant is associated with the following publications: (PMID: 18977788, 16917483, 17325136, 14709597, 34426522, 32641690, 29854428, 26355662, 11328725, 35836572, 32000842, 24265693)

Institute of Human Genetics, Univ. Regensburg, Univ. Regensburg
Classification: Uncertain significance for Retinal dystrophy. Last evaluated: 2023-01-01. Review status: criteria provided, single submitter. Criteria: ACMG Guidelines, 2015. Collection method: clinical testing. Allele origin: germline. Affected: yes.

Department of Pathology and Laboratory Medicine, Sinai Health System
Classification: Uncertain significance for Cone-rod dystrophy 3; Retinitis pigmentosa 19. Last evaluated: 2022-12-02. Review status: criteria provided, single submitter. Criteria: ACMG Guidelines, 2015. Collection method: research. Allele origin: germline.

CeGaT Center for Human Genetics Tuebingen
Classification: Uncertain significance. Last evaluated: 2020-01-01. Review status: criteria provided, single submitter. Criteria: CeGaT Center For Human Genetics Tuebingen Variant Classification Criteria Version 2. Collection method: clinical testing. Allele origin: germline. Affected: yes. Observed: 1 variant allele.

Mendelics
Classification: Uncertain significance for Severe early-childhood-onset retinal dystrophy. Last evaluated: 2019-05-28. Review status: criteria provided, single submitter. Criteria: Mendelics Assertion Criteria 2017. Collection method: clinical testing. Allele origin: unknown.

Fulgent Genetics
Classification: Uncertain significance for Age related macular degeneration 2; Severe early-childhood-onset retinal dystrophy; Retinitis pigmentosa 19; Cone-rod dystrophy 3. Last evaluated: 2018-10-31. Review status: criteria provided, single submitter. Criteria: ACMG Guidelines, 2015. Collection method: clinical testing. Allele origin: unknown.

Illumina Laboratory Services, Illumina
Classification: Uncertain significance for ABCA4-Related Disorders. Last evaluated: 2017-04-27. Review status: criteria provided, single submitter. Criteria: ICSL Variant Classification Criteria 13 December 2019. Collection method: clinical testing. Allele origin: germline.

Eurofins Ntd Llc (ga)
Classification: Uncertain significance. Last evaluated: 2016-11-17. Review status: criteria provided, single submitter. Criteria: EGL Classification Definitions 2015. Collection method: clinical testing. Allele origin: germline. Observed: 1 variant allele, 1 heterozygote.

Faculty of Health Sciences, Beirut Arab University
Classification: Pathogenic for Autosomal recessive Retinitis Pigmentosa. Last evaluated: 2015-09-10. Review status: no assertion criteria provided. Collection method: literature only. Allele origin: germline. Affected: yes. Observed: 1 variant allele. Not counted in ClinVar's aggregate classification.

Retina International
No classification provided. Review status: no classification provided. Collection method: not provided. Allele origin: unknown. Not counted in ClinVar's aggregate classification.

Literature cited by the submitters: PubMed 11328725 (cited by 3billion and Institute of Human Genetics, Univ. Regensburg, Univ. Regensburg); PubMed 24265693 (cited by Institute of Human Genetics, Univ. Regensburg, Univ. Regensburg); PubMed 26355662 (cited by Institute of Human Genetics, Univ. Regensburg, Univ. Regensburg and Faculty of Health Sciences, Beirut Arab University); PubMed 32000842 (cited by Institute of Human Genetics, Univ. Regensburg, Univ. Regensburg); PubMed 31964843 (cited by Institute of Human Genetics, Univ. Regensburg, Univ. Regensburg); PubMed 34426522 (cited by Institute of Human Genetics, Univ. Regensburg, Univ. Regensburg); PubMed 35260635 (cited by Institute of Human Genetics, Univ. Regensburg, Univ. Regensburg); PubMed 35836572 (cited by Institute of Human Genetics, Univ. Regensburg, Univ. Regensburg).

NM_000350.3(ABCA4):c.1140T>A (p.Asn380Lys)

Gene: ABCA4 (ATP binding cassette subfamily A member 4; minus strand). Cytogenetic location: 1p22.1.
Variant type: single nucleotide variant.
Coding change: c.1140T>A on transcript NM_000350.3 (MANE Select); coding-DNA position 1140, T replaced by A.
Protein change: p.Asn380Lys; replaces asparagine 380 with lysine.
Molecular consequence: missense variant.
Genome position (GRCh38, 1-based): chr1:94,079,421, A>T on the plus strand (T>A on the coding strand, the complement: ABCA4 is on the minus strand). VCF-style: chr1-94079421-A-T. GRCh37 (hg19) VCF-style: chr1-94544977-A-T.
Other names: c.1140T>A, p.Asn380Lys (NM_001425324.1); short protein forms N380K.
Identifiers: ClinVar variation 99033 (VCV000099033.63), dbSNP rs61748549, ClinGen allele CA226872.